The following is an entry in ClinVar:

NM_000094.4(COL7A1):c.5783G>A (p.Gly1928Glu)

Gene: COL7A1 (collagen type VII alpha 1 chain; minus strand). Cytogenetic location: 3p21.31.
Variant type: single nucleotide variant.
Coding change: c.5783G>A on transcript NM_000094.4 (MANE Select); coding-DNA position 5783, G replaced by A.
Protein change: p.Gly1928Glu; replaces glycine 1928 with glutamic acid.
Molecular consequence: missense variant.
Genome position (GRCh38, 1-based): chr3:48,576,286, C>T on the plus strand (G>A on the coding strand, the complement: COL7A1 is on the minus strand). VCF-style: chr3-48576286-C-T. GRCh37 (hg19) VCF-style: chr3-48613719-C-T.
Other names: short protein forms G1928E.
Identifiers: ClinVar variation 623187 (VCV000623187.3), dbSNP rs1560219171, ClinGen allele CA352666204.

ClinVar aggregate classification (germline): Likely pathogenic. Review status: criteria provided, multiple submitters, no conflicts (2 of 4 stars). 2 submissions from 2 submitters: Likely pathogenic (2). Last evaluated 2024-03-09.

Conditions:
Recessive dystrophic epidermolysis bullosa (RDEB). Also called: EPIDERMOLYSIS BULLOSA DYSTROPHICA, GENERALIZED SEVERE, AUTOSOMAL RECESSIVE; epidermolysis bullosa dystrophica, autosomal recessive; Hallopeau-Siemens Disease; DYSTROPHIC EPIDERMOLYSIS BULLOSA, AUTOSOMAL RECESSIVE; EPIDERMOLYSIS BULLOSA DYSTROPHICA, HALLOPEAU-SIEMENS TYPE; severe generalized recessive dystrophic epidermolysis bullosa. Identifiers: Orphanet 79408, Orphanet 79409, MedGen C0079474, MONDO:0009179, OMIM 226600.

Submissions (2):

Labcorp Genetics (formerly Invitae), Labcorp
Classification: Likely pathogenic. Last evaluated: 2024-03-09. Review status: criteria provided, single submitter. Criteria: Invitae Variant Classification Sherloc (09022015). Collection method: clinical testing. Allele origin: germline.
Comment: This sequence change replaces glycine, which is neutral and non-polar, with glutamic acid, which is acidic and polar, at codon 1928 of the COL7A1 protein (p.Gly1928Glu). This variant is not present in population databases (gnomAD no frequency). This missense change has been observed in individual(s) with autosomal dominant epidermolysis bullosa (Invitae). ClinVar contains an entry for this variant (Variation ID: 623187). Advanced modeling of protein sequence and biophysical properties (such as structural, functional, and spatial information, amino acid conservation, physicochemical variation, residue mobility, and thermodynamic stability) performed at Invitae indicates that this missense variant is expected to disrupt COL7A1 protein function with a positive predictive value of 95%. This variant disrupts the triple helix domain of COL7A1. Glycine residues within the Gly-Xaa-Yaa repeats of the triple helix domain are required for the structure and stability of fibrillar collagens (PMID: 7695699, 8218237, 19344236), and variants at these glycine residues in COL7A1 are more frequently observed in individuals with disease than in the general population (PMID: 22058051). However, the clinical significance of this observation remains uncertain since only a limited number of affected individuals have been described to date. In summary, the currently available evidence indicates that the variant is pathogenic, but additional data are needed to prove that conclusively. Therefore, this variant has been classified as Likely Pathogenic.

Molecular Diagnostics Laboratory, M Health Fairview: University of Minnesota
Classification: Likely pathogenic for Recessive dystrophic epidermolysis bullosa. Last evaluated: 2018-12-20. Review status: criteria provided, single submitter. Criteria: ACMG Guidelines, 2015. Collection method: clinical testing. Allele origin: germline. Affected: yes. Observed: 1 variant allele. Segregation with disease observed.

Literature cited by the submitters: PubMed 7695699 (cited by Labcorp Genetics (formerly Invitae), Labcorp); PubMed 8218237 (cited by Labcorp Genetics (formerly Invitae), Labcorp); PubMed 19344236 (cited by Labcorp Genetics (formerly Invitae), Labcorp); PubMed 22058051 (cited by Labcorp Genetics (formerly Invitae), Labcorp); PubMed 18558993 (cited by Molecular Diagnostics Laboratory, M Health Fairview: University of Minnesota).